The following is an entry in ClinVar:

ClinVar aggregate classification (germline): Uncertain significance (1 of 4 stars; one submission).

Submission:

Ambry Genetics
Classification: Uncertain significance. Last evaluated: 2026-03-30. Review status: criteria provided, single submitter. Criteria: Ambry Variant Classification Scheme 2023. Collection method: clinical testing. Allele origin: germline.
Comment: The c.1348_1349delGG (p.G450Sfs*17) alteration, located in exon 17 (coding exon 14) of the FRYL gene, consists of a deletion of 2 nucleotides from position 1348 to 1349, causing a translational frameshift with a predicted alternate stop codon after 17 amino acids. This alteration is expected to result in loss of function by premature protein truncation or nonsense-mediated mRNA decay. However, loss of function of FRYL has not been established as a mechanism of disease. This variant was not reported in population-based cohorts in the Genome Aggregation Database (gnomAD). Based on insufficient or conflicting evidence, the clinical significance of this alteration remains unclear.

NM_015030.2(FRYL):c.1348_1349del (p.Gly450fs)

Gene: FRYL (FRY like transcription coactivator; minus strand). Cytogenetic location: 4p11.
Variant type: Deletion.
Coding change: c.1348_1349del on transcript NM_015030.2 (MANE Select); coding-DNA positions 1348 to 1349, 2 bases deleted (GG; older notation c.1348_1349delGG).
Protein change: p.Gly450fs; shifts the reading frame from glycine 450.
Molecular consequence: frameshift variant.
Genome position (GRCh38, 1-based): chr4:48,590,817-48,590,818, CC deleted on the plus strand (GG on the coding strand, the reverse complement: FRYL is on the minus strand). VCF-style (leftmost placement, unchanged base first): chr4-48590816-ACC-A. GRCh37 (hg19) VCF-style: chr4-48592833-ACC-A.
Other names: short protein forms G450fs.
Identifiers: ClinVar variation 3851846 (VCV003851846.2).
Genomic context (GRCh38, chr4:48,590,816, plus strand): 5'-CATGGGTGGTTCACCATCTTTCTGCTGCAAACTGTCTGCTATTACAAGGAAGACTCTGAG[ACC>A]TATGTTCATTCTCTTCAAAGGAAAAAAATGCAAAAGGAAGAGATGAGTATCATAAATTAC-3'